The following is an entry in ClinVar:

ClinVar aggregate classification (germline): Conflicting classifications of pathogenicity. Review status: criteria provided, conflicting classifications (1 of 4 stars). 2 submissions from 2 submitters: Uncertain significance (1); Likely benign (1). Last evaluated 2026-10-09.

Allele frequency attached by ClinVar (database versions not stated): gnomAD exomes 0.00009 and 0.00021; TOPMed 0.00083; ESP Exome Variant Server 0.00085; 1000 Genomes Project 30x 0.00062; gnomAD 0.00074 and 0.00081; 1000 Genomes Project 0.00040; ExAC 0.00021.

Submissions (2):

GeneDx
Classification: Uncertain significance. Last evaluated: 2026-10-09. Review status: criteria provided, single submitter. Criteria: GeneDx Variant Classification Process June 2021. Collection method: clinical testing. Allele origin: germline.
Comment: Has not been previously published as pathogenic or benign to our knowledge; In silico analysis suggests that this missense variant does not alter protein structure/function; This variant is associated with the following publications: (PMID: Yu[article]2023)

Labcorp Genetics (formerly Invitae), Labcorp
Classification: Likely benign. Last evaluated: 2026-01-06. Review status: criteria provided, single submitter. Criteria: Invitae Variant Classification Sherloc (09022015). Collection method: clinical testing. Allele origin: germline.

NM_016138.5(COQ7):c.235G>A (p.Val79Ile)

Gene: COQ7 (coenzyme Q7, hydroxylase; plus strand). Cytogenetic location: 16p12.3.
Variant type: single nucleotide variant.
Coding change: c.235G>A on transcript NM_016138.5 (MANE Select); coding-DNA position 235, G replaced by A.
Protein change: p.Val79Ile; replaces valine 79 with isoleucine.
Molecular consequence: missense variant. On other transcripts: non-coding transcript variant (3).
Genome position (GRCh38, 1-based): chr16:19,072,089, G>A. VCF-style: chr16-19072089-G-A. GRCh37 (hg19) VCF-style: chr16-19083411-G-A.
Other names: c.121G>A, p.Val41Ile (NM_001190983.2, NM_001370492.1, NM_001370493.1 and 2 more transcripts); c.193G>A, p.Val65Ile (NM_001370489.1, NM_001370491.1); c.235G>A, p.Val79Ile (NM_001370490.1); short protein forms V79I, V41I, V65I.
Identifiers: ClinVar variation 789830 (VCV000789830.12), dbSNP rs138449068, ClinGen allele CA7932925.